The following is an entry in ClinVar:

ClinVar aggregate classification (germline): Pathogenic. Review status: criteria provided, multiple submitters, no conflicts (2 of 4 stars). 3 submissions from 3 submitters: Pathogenic (3). Last evaluated 2023-06-08.

Conditions:
Hereditary cancer-predisposing syndrome. Also called: Tumor predisposition; Hereditary neoplastic syndrome; Hereditary Cancer Syndrome; Neoplastic Syndromes, Hereditary. Identifiers: Orphanet 140162, MedGen C0027672, MeSH D009386, MONDO:0015356.
Cardiovascular phenotype. Identifiers: MedGen CN230736.
Neurofibromatosis, type 1 (NF1). Also called: NEUROFIBROMATOSIS, TYPE I, SOMATIC; VON RECKLINGHAUSEN DISEASE; Peripheral type neurofibromatosis; Neurofibromatosis, type I. Identifiers: Orphanet 636, MedGen C0027831, MONDO:0018975, OMIM 162200. Disease mechanism: loss of function.

Submissions (3):

Ambry Genetics
Classification: Pathogenic for Cardiovascular phenotype; Hereditary cancer-predisposing syndrome. Last evaluated: 2023-06-08. Review status: criteria provided, single submitter. Criteria: Ambry Variant Classification Scheme 2023. Collection method: clinical testing. Allele origin: germline.
Comment: The c.7686delG pathogenic mutation, located in coding exon 52 of the NF1 gene, results from a deletion of one nucleotide at nucleotide position 7686, causing a translational frameshift with a predicted alternate stop codon (p.I2563Ffs*40). This alteration has been observed in multiple individuals with a personal and/or family history that is consistent with NF1-related disease (Micaglio E et al. Front Genet, 2019 Feb;10:50; Giugliano T et al. Genes (Basel), 2019 Jul;10; Napolitano F et al. Genes (Basel), 2022 Jun;13). This variant is considered to be rare based on population cohorts in the Genome Aggregation Database (gnomAD). In addition to the clinical data presented in the literature, this alteration is expected to result in loss of function by premature protein truncation or nonsense-mediated mRNA decay. As such, this alteration is interpreted as a disease-causing mutation.

GeneDx
Classification: Pathogenic. Last evaluated: 2022-08-08. Review status: criteria provided, single submitter. Criteria: GeneDx Variant Classification Process June 2021. Collection method: clinical testing. Allele origin: germline. Affected: yes.
Comment: Frameshift variant predicted to result in protein truncation or nonsense mediated decay in a gene for which loss of function is a known mechanism of disease; Not observed at significant frequency in large population cohorts (gnomAD); This variant is associated with the following publications: (PMID: 30828344, 31370276)

Labcorp Genetics (formerly Invitae), Labcorp
Classification: Pathogenic for Neurofibromatosis, type 1. Last evaluated: 2020-12-10. Review status: criteria provided, single submitter. Criteria: Invitae Variant Classification Sherloc (09022015). Collection method: clinical testing. Allele origin: germline.
Comment: This sequence change creates a premature translational stop signal (p.Ile2563Phefs*40) in the NF1 gene. It is expected to result in an absent or disrupted protein product. Loss-of-function variants in NF1 are known to be pathogenic (PMID: 10712197, 23913538). This variant is not present in population databases (ExAC no frequency). This variant has been observed in individual(s) with clinical features of neurofibromatosis type 1 (PMID: 30828344). It has also been observed to segregate with disease in related individuals. For these reasons, this variant has been classified as Pathogenic.

Literature cited by the submitters: PubMed 10712197 (cited by Labcorp Genetics (formerly Invitae), Labcorp); PubMed 23913538 (cited by Labcorp Genetics (formerly Invitae), Labcorp); PubMed 30828344 (cited by Labcorp Genetics (formerly Invitae), Labcorp).

NM_001042492.3(NF1):c.7749del (p.Ile2584fs)

Gene: NF1 (neurofibromin 1; plus strand). Cytogenetic location: 17q11.2.
Variant type: Deletion.
Coding change: c.7749del on transcript NM_001042492.3 (MANE Select); coding-DNA position 7749, one base deleted (G; older notation c.7749delG).
Protein change: p.Ile2584fs; shifts the reading frame from isoleucine 2584.
Molecular consequence: frameshift variant.
Genome position (GRCh38, 1-based): chr17:31,356,970, G deleted; the last of 2 consecutive G bases (chr17:31,356,969-31,356,970); deleting either gives the same sequence. VCF-style (leftmost placement, unchanged base first): chr17-31356968-AG-A. GRCh37 (hg19) VCF-style: chr17-29683986-AG-A.
Other names: c.7686delG, p.Ile2563Phefs (NM_000267.4); c.7686delG (NM_000267.3); short protein forms I2563fs, I2584fs.
Identifiers: ClinVar variation 1447753 (VCV001447753.11), dbSNP rs2151582195, ClinGen allele CA2573153442.